The following is an entry in ClinVar:

NM_024809.5(TCTN2):c.1506-2A>G

Gene: TCTN2 (tectonic family member 2; plus strand). Cytogenetic location: 12q24.31.
Variant type: single nucleotide variant.
Coding change: c.1506-2A>G on transcript NM_024809.5 (MANE Select); the canonical splice acceptor site of the intron before coding-DNA position 1506, A replaced by G.
Molecular consequence: splice acceptor variant.
Genome position (GRCh38, 1-based): chr12:123,699,702, A>G. VCF-style: chr12-123699702-A-G. GRCh37 (hg19) VCF-style: chr12-124184249-A-G.
Other names: IVS13AS, A-G, -2; c.1371-2A>G (NM_001410989.1); c.1503-2A>G (NM_001143850.3).
Identifiers: ClinVar variation 31076 (VCV000031076.50), dbSNP rs374349989, ClinGen allele CA129649.

ClinVar aggregate classification (germline): Pathogenic/Likely pathogenic. Review status: criteria provided, multiple submitters, no conflicts (2 of 4 stars). 14 submissions from 14 submitters: Pathogenic (12); Likely pathogenic (1). 1 of the submissions does not count toward it. Last evaluated 2026-01-21.

Conditions:
Joubert syndrome and related disorders. Identifiers: Orphanet 140874, MedGen C5679612, MONDO:0015369.
Joubert syndrome 24 (JBTS24). Identifiers: Orphanet 475, MedGen C4084841, MONDO:0014724, OMIM 616654.
Meckel syndrome, type 8. Identifiers: Orphanet 564, MedGen C3836857, MONDO:0013482, OMIM 613885.
TCTN2-related disorder. Also called: TCTN2-related disorders; TCTN2-related condition. Identifiers: MedGen CN239412.
Meckel syndrome, type 6. Identifiers: Orphanet 564, MedGen C2676790, MONDO:0012848, OMIM 612284.
Joubert syndrome. Also called: JOUBERT-BOLTSHAUSER SYNDROME; Familial aplasia of the vermis. Identifiers: Orphanet 475, MedGen C5979921, MONDO:0018772.
Meckel-Gruber syndrome. Also called: Dysencephalia splachnocystica; DYSENCEPHALIA SPLANCHNOCYSTICA; GRUBER SYNDROME. Identifiers: Orphanet 564, MedGen C0265215, MONDO:0018921.

Allele frequency attached by ClinVar (database versions not stated): gnomAD 0.00001 and 0.00002; ExAC 0.00002; gnomAD exomes 0.00002; TOPMed 0.00004; ESP Exome Variant Server 0.00008.
gnomAD v4.1: 33 of 1,608,974 alleles (0.0021%); highest among the groups gnomAD compares: Middle Eastern, 0.016%; no homozygotes.

Submissions (14):

Victorian Clinical Genetics Services, Murdoch Childrens Research Institute
Classification: Pathogenic for Joubert syndrome 24. Last evaluated: 2026-01-21. Review status: criteria provided, single submitter. Criteria: ACMG Guidelines, 2015. Collection method: clinical testing. Allele origin: germline. Affected: yes.
Comment: This variant is classified as Pathogenic. Evidence in support of pathogenic classification: Splice site variant proven to affect splicing of the transcript with a known effect on protein sequence. RT-PCR performed on patient cDNA from blood demonstrated loss of wildtype transcript, and the presence of two alternatively spliced transcripts (p.Arg502Serfs*3 and p.Glu503Cysfs*5), both of which were predicted to undergo NMD (PMID: 21462283); Variant is present in gnomAD <0.01 for a recessive condition (v4: 33 heterozygote(s), 0 homozygote(s)); This variant has strong previous evidence of pathogenicity in unrelated individuals. This variant has been classified as pathogenic/likely pathogenic by clinical laboratories in ClinVar. Additionally, it has been reported as homozygous in one consanguineous family (PMID: 21462283). Additional information: This variant is homozygous; This gene is associated with autosomal recessive disease; Alternative nucleotide change(s) at the same canonical splice site are present in gnomAD (highest allele count: v4: 2 heterozygote(s), 0 homozygote(s)); Loss of function is a known mechanism of disease in this gene and is associated with Joubert syndrome 24 (MIM#616654) - Variants in this gene are known to have variable expressivity (ClinGen CCID:006343); Inheritance information for this variant is not currently available in this individual.

Labcorp Genetics (formerly Invitae), Labcorp
Classification: Pathogenic for Joubert syndrome; Meckel-Gruber syndrome. Last evaluated: 2025-12-17. Review status: criteria provided, single submitter. Criteria: Invitae Variant Classification Sherloc (09022015). Collection method: clinical testing. Allele origin: germline.
Comment: This sequence change affects an acceptor splice site in intron 13 of the TCTN2 gene. It is expected to disrupt RNA splicing. Variants that disrupt the donor or acceptor splice site typically lead to a loss of protein function (PMID: 16199547), and loss-of-function variants in TCTN2 are known to be pathogenic (PMID: 21565611). This variant is present in population databases (rs374349989, gnomAD 0.008%). Disruption of this splice site has been observed in individual(s) with clinical features of TCTN2-related conditions (PMID: 21462283, 31428121). ClinVar contains an entry for this variant (Variation ID: 31076). Algorithms developed to predict the effect of sequence changes on RNA splicing suggest that this variant may disrupt the consensus splice site. For these reasons, this variant has been classified as Pathogenic.

Dasa
Classification: Pathogenic. Last evaluated: 2025-02-21. Review status: criteria provided, single submitter. Criteria: DASA Assertion Criteria. Collection method: clinical testing. Allele origin: germline.
Comment: NM_024809.5(TCTN2):c.1506-2A>G introduces a premature termination codon predicted to result in loss of normal protein function. Loss-of-function is an established mechanism of disease for this gene. Segregation evidence has been reported in affected families. This variant has been observed in affected individuals with related phenotype in a genotype context consistent with recessive disease (PMID: 21462283; PMID: 31428121). Functional evidence supports a deleterious effect on the gene or gene product (PMID: 21462283; PMID: 31428121). This variant has been recurrently observed in individuals with related phenotype (PMID: 21462283; PMID: 31428121). The variant is present at low frequency in population datasets. Based on the available data, this variant is classified as pathogenic.

Blueprint Genetics
Classification: Pathogenic for TCTN2-related disorders. Last evaluated: 2024-05-29. Review status: criteria provided, single submitter. Criteria: ACMG Guidelines, 2015. Collection method: clinical testing. Allele origin: germline. Affected: yes. Observed: 5 variant alleles.

Genomic Medicine Center of Excellence, King Faisal Specialist Hospital and Research Centre
Classification: Pathogenic for Joubert syndrome 24. Last evaluated: 2024-03-17. Review status: criteria provided, single submitter. Criteria: ACMG Guidelines, 2015. Collection method: research. Allele origin: germline.

Women's Health and Genetics/Laboratory Corporation of America, LabCorp
Classification: Pathogenic for Joubert syndrome and related disorders. Last evaluated: 2024-02-12. Review status: criteria provided, single submitter. Criteria: LabCorp Variant Classification Summary - May 2015. Collection method: clinical testing. Allele origin: germline.
Comment: Variant summary: TCTN2 c.1506-2A>G is located in a canonical splice-site and is predicted to affect mRNA splicing resulting in a significantly altered protein due to either exon skipping, shortening, or inclusion of intronic material. Several computational tools predict a significant impact on normal splicing: Four predict the variant abolishes a 3' acceptor site. At least one publication reports experimental evidence confirming that this variant affects mRNA splicing (Maddirevula_2020). The variant allele was found at a frequency of 1.6e-05 in 251140 control chromosomes (gnomAD). c.1506-2A>G has been reported in the literature in multiple individuals affected with Joubert Syndrome And Related Disorders (e.g. Shaheen_2016, Maddirevula_2020, Watson_2016). These data indicate that the variant is very likely to be associated with disease. ClinVar contains an entry for this variant (Variation ID: 31076). Based on the evidence outlined above, the variant was classified as pathogenic.

Fulgent Genetics
Classification: Pathogenic for Meckel syndrome, type 8; Joubert syndrome 24. Last evaluated: 2024-01-25. Review status: criteria provided, single submitter. Criteria: ACMG Guidelines, 2015. Collection method: clinical testing. Allele origin: germline.

CeGaT Center for Human Genetics Tuebingen
Classification: Pathogenic. Last evaluated: 2023-09-01. Review status: criteria provided, single submitter. Criteria: CeGaT Center For Human Genetics Tuebingen Variant Classification Criteria Version 2. Collection method: clinical testing. Allele origin: germline. Affected: yes. Observed: 1 variant allele.
Comment: TCTN2: PVS1, PM2

Revvity Omics, Revvity
Classification: Pathogenic. Last evaluated: 2023-01-19. Review status: criteria provided, single submitter. Criteria: ACMG Guidelines, 2015. Collection method: clinical testing. Allele origin: germline.

GeneDx
Classification: Pathogenic. Last evaluated: 2022-02-25. Review status: criteria provided, single submitter. Criteria: GeneDx Variant Classification Process June 2021. Collection method: clinical testing. Allele origin: germline. Affected: yes.
Comment: Canonical splice site variant in a gene for which loss-of-function is a known mechanism of disease; Published functional studies demonstrate that normal splicing is abolished and two abberant transcripts are created (Shaheen et al., 2011); Not observed at a significant frequency in large population cohorts (gnomAD); This variant is associated with the following publications: (PMID: 21462283, 26729329, 23169490, 31428121, 32055034, 31589614, 32552793)

Eurofins Ntd Llc (ga)
Classification: Pathogenic. Last evaluated: 2017-07-14. Review status: criteria provided, single submitter. Criteria: EGL Classification Definitions 2015. Collection method: clinical testing. Allele origin: germline. Observed: 2 variant alleles, 2 heterozygotes.

Illumina Laboratory Services, Illumina
Classification: Likely pathogenic for TCTN2-Related Disorders. Last evaluated: 2017-04-27. Review status: criteria provided, single submitter. Criteria: ICSL Variant Classification Criteria 09 May 2019. Collection method: clinical testing. Allele origin: germline.
Comment: The TCTN2 c.1506-2A>G variant occurs in a canonical splice site (acceptor) and is therefore predicted to disrupt or distort the normal gene product. The c.1506-2A>G variant has been reported in three studies in which it is found in a homozygous state in at least six patients and in a heterozygous state in one patient in whom a second variant was not identified (Shaheen et al. 2011; Shaheen et al. 2013; Watson et al. 2016). Three of the homozygotes were diagnosed with Meckel syndrome and three patients were noted to be on the Joubert-Meckel syndrome spectrum but the individual clinical phenotypes were not provided (Watson et al. 2016). The c.1506-2A>G variant was absent from at least 192 controls and is reported at a frequency of 0.00012 in the European-American population of the Exome Sequencing Project but this is based on one allele only. RT-PCR experiments showed the variant completely abolished normal splicing and created two aberrant transcripts (Shaheen et al. 2011). Based on the evidence, the c.1506-2A>G variant is classified as pathogenic for TCTN2-related disorders. This variant was observed by ICSL as part of a predisposition screen in an ostensibly healthy population.

Pathology and Clinical Laboratory Medicine, King Fahad Medical City
Classification: Pathogenic for Meckel syndrome, type 6. Review status: criteria provided, single submitter. Criteria: ACMG Guidelines, 2015. Collection method: clinical testing. Allele origin: germline. Affected: yes. Observed: 2 variant alleles.

OMIM
Classification: Pathogenic for MECKEL SYNDROME, TYPE 8 (1 family). Last evaluated: 2011-06-01. Review status: no assertion criteria provided. Collection method: literature only. Allele origin: germline. Not counted in ClinVar's aggregate classification.

Literature cited by the submitters: PubMed 21462283 (cited by 5 submitters); PubMed 16199547 (cited by Labcorp Genetics (formerly Invitae), Labcorp); PubMed 21565611 (cited by Labcorp Genetics (formerly Invitae), Labcorp); PubMed 31428121 (cited by Labcorp Genetics (formerly Invitae), Labcorp and Dasa); PubMed 27894351 (cited by Women's Health and Genetics/Laboratory Corporation of America, LabCorp); PubMed 26729329 (cited by Women's Health and Genetics/Laboratory Corporation of America, LabCorp and Illumina Laboratory Services, Illumina); PubMed 32552793 (cited by Women's Health and Genetics/Laboratory Corporation of America, LabCorp); PubMed 23169490 (cited by Illumina Laboratory Services, Illumina).